The following is an entry in ClinVar:

NM_000059.4(BRCA2):c.2958del (p.Asn986fs)

Gene: BRCA2 (BRCA2 DNA repair associated; plus strand). Cytogenetic location: 13q13.1.
Variant type: Deletion.
Coding change: c.2958del on transcript NM_000059.4 (MANE Select); coding-DNA position 2958, one base deleted (T; older notation c.2958delT).
Protein change: p.Asn986fs; shifts the reading frame from asparagine 986.
Molecular consequence: frameshift variant.
Genome position (GRCh38, 1-based): chr13:32,337,313, T deleted. VCF-style (leftmost placement, unchanged base first): chr13-32337312-AT-A. GRCh37 (hg19) VCF-style: chr13-32911449-AT-A.
Other names: short protein forms N986fs.
Identifiers: ClinVar variation 802929 (VCV000802929.6), dbSNP rs1593898209, ClinGen allele CA915948445.

ClinVar aggregate classification (germline): Pathogenic. Review status: criteria provided, multiple submitters, no conflicts (2 of 4 stars). 2 submissions from 2 submitters: Pathogenic (2). Last evaluated 2022-08-19.

Conditions:
Hereditary breast ovarian cancer syndrome. Also called: Breast and ovarian cancer; Hereditary breast and ovarian cancer syndrome (HBOC); Hereditary breast and/or ovarian cancer syndrome; BRCA1- and BRCA2-Associated Hereditary Breast and Ovarian Cancer; Hereditary breast and ovarian cancer; Hereditary breast and ovarian cancer syndrome. Identifiers: Orphanet 145, MedGen C0677776, MeSH D061325, MONDO:0003582. Disease mechanism: loss of function.
Breast-ovarian cancer, familial, susceptibility to, 2 (BROVCA2). Also called: BRCA2 Hereditary Breast and Ovarian Cancer. Identifiers: Orphanet 145, MedGen C2675520, MONDO:0012933, OMIM 612555. Disease mechanism: loss of function.

Submissions (2):

Labcorp Genetics (formerly Invitae), Labcorp
Classification: Pathogenic for Hereditary breast ovarian cancer syndrome. Last evaluated: 2022-08-19. Review status: criteria provided, single submitter. Criteria: Invitae Variant Classification Sherloc (09022015). Collection method: clinical testing. Allele origin: germline.
Comment: This sequence change creates a premature translational stop signal (p.Asn986Lysfs*5) in the BRCA2 gene. It is expected to result in an absent or disrupted protein product. Loss-of-function variants in BRCA2 are known to be pathogenic (PMID: 20104584). This variant is not present in population databases (gnomAD no frequency). This premature translational stop signal has been observed in individual(s) with personal or family history of breast or ovarian cancer (PMID: 16683254). ClinVar contains an entry for this variant (Variation ID: 802929). For these reasons, this variant has been classified as Pathogenic.

Mendelics
Classification: Pathogenic for Breast-ovarian cancer, familial, susceptibility to, 2. Last evaluated: 2019-05-28. Review status: criteria provided, single submitter. Criteria: Mendelics Assertion Criteria 2017. Collection method: clinical testing. Allele origin: unknown.

Literature cited by the submitters: PubMed 20104584 (cited by Labcorp Genetics (formerly Invitae), Labcorp); PubMed 16683254 (cited by Labcorp Genetics (formerly Invitae), Labcorp).